The following is an entry in ClinVar:

NM_002693.3(POLG):c.133_134insGGCAGCGGCGGCGGC (p.Gln44_Gln45insArgGlnArgArgArg)

Genes: POLG (DNA polymerase gamma, catalytic subunit; minus strand), POLGARF (POLG alternative reading frame; minus strand). Cytogenetic location: 15q26.1.
Variant type: Microsatellite.
Coding change: c.133_134insGGCAGCGGCGGCGGC on transcript NM_002693.3 (MANE Select); coding-DNA positions 133 to 134, GGCAGCGGCGGCGGC inserted.
Protein change: p.Gln44_Gln45insArgGlnArgArgArg.
Molecular consequence: inframe insertion.
Genome position: GRCh38 VCF-style: chr15-89333621-T-TGCCGCCGCCGCTGCC. GRCh37 (hg19) VCF-style: chr15-89876852-T-TGCCGCCGCCGCTGCC.
Other names: c.133_134insGGCAGCGGCGGCGGC, p.Gln44_Gln45insArgGlnArgArgArg (NM_001126131.2).
Identifiers: ClinVar variation 1387393 (VCV001387393.9), dbSNP rs1567194472.

ClinVar aggregate classification (germline): Uncertain significance. Review status: criteria provided, multiple submitters, no conflicts (2 of 4 stars). 2 submissions from 2 submitters: Uncertain significance (2). Last evaluated 2025-01-14.

Conditions:
Progressive sclerosing poliodystrophy (MTDPS4A). Also called: ALPERS PROGRESSIVE INFANTILE POLIODYSTROPHY; Alpers Syndrome; ALPERS DIFFUSE DEGENERATION OF CEREBRAL GRAY MATTER WITH HEPATIC CIRRHOSIS; Alpers-Huttenlocher Syndrome; NEURONAL DEGENERATION OF CHILDHOOD WITH LIVER DISEASE, PROGRESSIVE; Mitochondrial DNA depletion syndrome 4A (Alpers type). Identifiers: Orphanet 726, MedGen C0205710, MONDO:0008758, OMIM 203700.

Submissions (2):

Dasa
Classification: Uncertain significance. Last evaluated: 2025-01-14. Review status: criteria provided, single submitter. Criteria: DASA Assertion Criteria. Collection method: clinical testing. Allele origin: germline.
Comment: NM_002693.3(POLG):c.133_134insGGCAGCGGCGGCGGC (p.Gln44_Gln45insArgGlnArgArgArg) is an in-frame insertion/deletion-insertion predicted to alter the protein sequence without shifting the reading frame. This variant is absent from population databases. The currently available literature and clinical evidence are not sufficient to establish a definitive association between this variant and the reported condition. Therefore, this variant is classified as a variant of uncertain significance.

Labcorp Genetics (formerly Invitae), Labcorp
Classification: Uncertain significance for Progressive sclerosing poliodystrophy. Last evaluated: 2021-10-15. Review status: criteria provided, single submitter. Criteria: Invitae Variant Classification Sherloc (09022015). Collection method: clinical testing. Allele origin: germline.
Comment: This variant, c.133_134insGGCAGCGGCGGCGGC, results in the insertion of 5 amino acid(s) to the POLG protein (p.Gln44_Gln45insArgGlnArgArgArg), but otherwise preserves the integrity of the reading frame. This variant is not present in population databases (ExAC no frequency). This variant has not been reported in the literature in individuals affected with POLG-related conditions. In summary, the available evidence is currently insufficient to determine the role of this variant in disease. Therefore, it has been classified as a Variant of Uncertain Significance.